The following is an entry in ClinVar:

ClinVar aggregate classification (germline): Uncertain significance. Review status: criteria provided, multiple submitters, no conflicts (2 of 4 stars). 2 submissions from 2 submitters: Uncertain significance (2). Last evaluated 2025-08-28.

Conditions:
Hereditary cancer-predisposing syndrome. Also called: Hereditary neoplastic syndrome; Tumor predisposition; Hereditary Cancer Syndrome; Neoplastic Syndromes, Hereditary. Identifiers: Orphanet 140162, MedGen C0027672, MeSH D009386, MONDO:0015356.
BAP1-related tumor predisposition syndrome (TPDS1). Also called: TUMOR PREDISPOSITION SYNDROME 1; BAP1 tumor predisposition syndrome; Tumor susceptibility linked to germline BAP1 mutations; COMMON Syndrome. Identifiers: Orphanet 289539, MedGen C3280492, MONDO:0013692, OMIM 614327.

Submissions (2):

Labcorp Genetics (formerly Invitae), Labcorp
Classification: Uncertain significance for BAP1-related tumor predisposition syndrome. Last evaluated: 2025-08-28. Review status: criteria provided, single submitter. Criteria: Invitae Variant Classification Sherloc (09022015). Collection method: clinical testing. Allele origin: germline.
Comment: This sequence change replaces proline, which is neutral and non-polar, with serine, which is neutral and polar, at codon 621 of the BAP1 protein (p.Pro621Ser). This variant is not present in population databases (gnomAD no frequency). This variant has not been reported in the literature in individuals affected with BAP1-related conditions. ClinVar contains an entry for this variant (Variation ID: 3706733). Invitae Evidence Modeling of protein sequence and biophysical properties (such as structural, functional, and spatial information, amino acid conservation, physicochemical variation, residue mobility, and thermodynamic stability) indicates that this missense variant is not expected to disrupt BAP1 protein function with a negative predictive value of 80%. In summary, the available evidence is currently insufficient to determine the role of this variant in disease. Therefore, it has been classified as a Variant of Uncertain Significance.

Ambry Genetics
Classification: Uncertain significance for Hereditary cancer-predisposing syndrome. Last evaluated: 2025-02-03. Review status: criteria provided, single submitter. Criteria: Ambry Variant Classification Scheme 2023. Collection method: clinical testing. Allele origin: germline.
Comment: The p.P621S variant (also known as c.1861C>T), located in coding exon 14 of the BAP1 gene, results from a C to T substitution at nucleotide position 1861. The proline at codon 621 is replaced by serine, an amino acid with similar properties. This amino acid position is conserved. In addition, this alteration is predicted to be tolerated by in silico analysis. Based on the available evidence, the clinical significance of this variant remains unclear.

NM_004656.4(BAP1):c.1861C>T (p.Pro621Ser)

Gene: BAP1 (BRCA1 associated deubiquitinase 1; minus strand). Cytogenetic location: 3p21.1.
Variant type: single nucleotide variant.
Coding change: c.1861C>T on transcript NM_004656.4 (MANE Select); coding-DNA position 1861, C replaced by T.
Protein change: p.Pro621Ser; replaces proline 621 with serine.
Molecular consequence: missense variant.
Genome position (GRCh38, 1-based): chr3:52,403,167, G>A on the plus strand (C>T on the coding strand, the complement: BAP1 is on the minus strand). VCF-style: chr3-52403167-G-A. GRCh37 (hg19) VCF-style: chr3-52437183-G-A.
Other names: c.1807C>T, p.Pro603Ser (NM_001410772.1); short protein forms P621S, P603S.
Identifiers: ClinVar variation 3706733 (VCV003706733.3).